The following is an entry in ClinVar:

NM_004304.5(ALK):c.3172+549T>C

Gene: ALK (ALK receptor tyrosine kinase; minus strand). Cytogenetic location: 2p23.2.
Variant type: single nucleotide variant.
Coding change: c.3172+549T>C on transcript NM_004304.5 (MANE Select); 549 bases into the intron after coding-DNA position 3172, T replaced by C.
Molecular consequence: intron variant.
Genome position (GRCh38, 1-based): chr2:29,224,912, A>G on the plus strand (T>C on the coding strand, the complement: ALK is on the minus strand). VCF-style: chr2-29224912-A-G. GRCh37 (hg19) VCF-style: chr2-29447778-A-G.
Identifiers: ClinVar variation 2650795 (VCV002650795.24), dbSNP rs770675198, ClinGen allele CA44632831.

ClinVar aggregate classification (germline): Benign (1 of 4 stars; one submission).

Allele frequency attached by ClinVar (database versions not stated): TOPMed 0.00066; gnomAD 0.00097.
gnomAD v4.1: 147 of 152,178 alleles (0.097%); highest among the groups gnomAD compares: Non-Finnish European, 0.16%; no homozygotes.

Submission:

CeGaT Center for Human Genetics Tuebingen
Classification: Benign. Last evaluated: 2024-12-01. Review status: criteria provided, single submitter. Criteria: CeGaT Center For Human Genetics Tuebingen Variant Classification Criteria Version 2. Collection method: clinical testing. Allele origin: germline. Affected: yes. Observed: 5 variant alleles.
Comment: ALK: BS1, BS2